The following is an entry in ClinVar:

ClinVar aggregate classification (germline): Uncertain significance (1 of 4 stars; one submission).

Allele frequency attached by ClinVar (database versions not stated): TOPMed below 0.00001; gnomAD 0.00001.
gnomAD v4.1: 1 of 1,613,372 alleles (0.000062%); highest among the groups gnomAD compares: Non-Finnish European, 0.000085%; no homozygotes.

Submission:

GeneDx
Classification: Uncertain significance. Last evaluated: 2017-04-13. Review status: criteria provided, single submitter. Criteria: GeneDx Variant Classification (06012015). Collection method: clinical testing. Allele origin: germline. Affected: yes.
Comment: The Q1152H variant in the GRIN2A gene has not been reported previously as a pathogenic variant, nor as a benign variant, to our knowledge. The Q1152H variant is not observed in large population cohorts (Lek et al., 2016; 1000 Genomes Consortium et al., 2015; Exome Variant Server). The Q1152H variant is a semi-conservative amino acid substitution, which may impact secondary protein structure as these residues differ in some properties. However, this substitution occurs at a position that is not conserved across species. In silico analysis is inconsistent in its predictions as to whether or not the variant is damaging to the protein structure/function. Given the currently available data, we interpret Q1152H as a variant of uncertain significance.

NM_001134407.3(GRIN2A):c.3456G>C (p.Gln1152His)

Gene: GRIN2A (glutamate ionotropic receptor NMDA type subunit 2A; minus strand). Cytogenetic location: 16p13.2.
Variant type: single nucleotide variant.
Coding change: c.3456G>C on transcript NM_001134407.3 (MANE Select); coding-DNA position 3456, G replaced by C.
Protein change: p.Gln1152His; replaces glutamine 1152 with histidine.
Molecular consequence: missense variant.
Genome position (GRCh38, 1-based): chr16:9,764,088, C>G on the plus strand (G>C on the coding strand, the complement: GRIN2A is on the minus strand). VCF-style: chr16-9764088-C-G. GRCh37 (hg19) VCF-style: chr16-9857945-C-G.
Other names: c.3456G>C, p.Gln1152His (NM_000833.5, NM_001134408.2); short protein forms Q1152H.
Identifiers: ClinVar variation 426527 (VCV000426527.2), dbSNP rs1085307669, ClinGen allele CA394707721.